The following is an entry in ClinVar:

ClinVar aggregate classification (germline): Uncertain significance (1 of 4 stars; one submission).

Submission:

GeneDx
Classification: Uncertain significance. Last evaluated: 2025-03-06. Review status: criteria provided, single submitter. Criteria: GeneDx Variant Classification Process June 2021. Collection method: clinical testing. Allele origin: germline. Affected: yes.
Comment: Not observed at significant frequency in large population cohorts (gnomAD); In silico analysis indicates that this missense variant does not alter protein structure/function; Has not been previously published as pathogenic or benign to our knowledge

NM_138927.4(SON):c.6416A>T (p.Tyr2139Phe)

Gene: SON (SON DNA and RNA binding protein; plus strand). Cytogenetic location: 21q22.11.
Variant type: single nucleotide variant.
Coding change: c.6416A>T on transcript NM_138927.4 (MANE Select); coding-DNA position 6416, A replaced by T.
Protein change: p.Tyr2139Phe; replaces tyrosine 2139 with phenylalanine.
Molecular consequence: missense variant. On other transcripts: non-coding transcript variant (1).
Genome position (GRCh38, 1-based): chr21:33,559,324, A>T. VCF-style: chr21-33559324-A-T. GRCh37 (hg19) VCF-style: chr21-34931630-A-T.
Other names: c.500A>T, p.Tyr167Phe (NM_001291412.3); c.6416A>T, p.Tyr2139Phe (NM_032195.3); short protein forms Y167F, Y2139F.
Identifiers: ClinVar variation 4082638 (VCV004082638.1).